The following is an entry in ClinVar:

ClinVar aggregate classification (germline): Conflicting classifications of pathogenicity. Review status: criteria provided, conflicting classifications (1 of 4 stars). 6 submissions from 6 submitters: Uncertain significance (4); Likely benign (1). 1 of the submissions does not count toward it. Last evaluated 2025-11-26.

Conditions:
Hereditary cancer-predisposing syndrome. Also called: Neoplastic Syndromes, Hereditary; Hereditary Cancer Syndrome; Tumor predisposition; Hereditary neoplastic syndrome. Identifiers: Orphanet 140162, MedGen C0027672, MeSH D009386, MONDO:0015356.
Familial cancer of breast. Also called: Hereditary breast cancer; BREAST CANCER, FAMILIAL; hereditary breast carcinoma. Identifiers: Orphanet 227535, MedGen C0346153, MONDO:0016419, OMIM 114480. Disease mechanism: loss of function.
Ataxia-telangiectasia syndrome (AT). Also called: LOUIS-BAR SYNDROME; Cerebello-oculocutaneous telangiectasia; Immunodeficiency with ataxia telangiectasia; Ataxia-telangiectasia, complementation group D; AT, COMPLEMENTATION GROUP C; Ataxia-telangiectasia, complementation group E. Identifiers: Orphanet 100, MedGen C0004135, MONDO:0008840, OMIM 208900.

Submissions (6):

Labcorp Genetics (formerly Invitae), Labcorp
Classification: Uncertain significance for Ataxia-telangiectasia syndrome. Last evaluated: 2025-11-26. Review status: criteria provided, single submitter. Criteria: Invitae Variant Classification Sherloc (09022015). Collection method: clinical testing. Allele origin: germline.
Comment: This sequence change replaces glutamic acid, which is acidic and polar, with alanine, which is neutral and non-polar, at codon 2290 of the ATM protein (p.Glu2290Ala). This variant is not present in population databases (gnomAD no frequency). This variant has not been reported in the literature in individuals affected with ATM-related conditions. ClinVar contains an entry for this variant (Variation ID: 479056). Invitae Evidence Modeling of protein sequence and biophysical properties (such as structural, functional, and spatial information, amino acid conservation, physicochemical variation, residue mobility, and thermodynamic stability) indicates that this missense variant is not expected to disrupt ATM protein function with a negative predictive value of 95%. In summary, the available evidence is currently insufficient to determine the role of this variant in disease. Therefore, it has been classified as a Variant of Uncertain Significance.

Ambry Genetics
Classification: Likely benign for Hereditary cancer-predisposing syndrome. Last evaluated: 2024-10-30. Review status: criteria provided, single submitter. Criteria: Ambry Variant Classification Scheme 2023. Collection method: clinical testing. Allele origin: germline.

Baylor Genetics
Classification: Uncertain significance for Familial cancer of breast. Last evaluated: 2023-05-15. Review status: criteria provided, single submitter. Criteria: ACMG Guidelines, 2015. Collection method: clinical testing. Allele origin: unknown.

Sema4
Classification: Uncertain significance for Hereditary cancer-predisposing syndrome. Last evaluated: 2021-05-08. Review status: criteria provided, single submitter. Criteria: Sema4 Curation Guidelines. Collection method: curation. Allele origin: germline.
Comment: The ATM c.6869A>C (p.E2290A) variant has not been reported in the literature to our knowledge. It was not observed in the large and broad cohorts of the Genome Aggregation Database (PMID: 32461654). This variant has been reported in ClinVar (Variation ID: 479056). In silico tools suggest the impact of the variant on protein function is inconclusive, though these predictions have not been confirmed by functional studies. The evidence is insufficient to meet ACMG/AMP criteria for classifying the variant as benign or pathogenic. Thus, the clinical significance of this variant is currently uncertain.

Color Diagnostics, LLC DBA Color Health
Classification: Uncertain significance for Hereditary cancer-predisposing syndrome. Last evaluated: 2019-04-09. Review status: criteria provided, single submitter. Criteria: ACMG Guidelines, 2015. Collection method: clinical testing. Allele origin: germline.

Natera, Inc.
Classification: Uncertain significance for Ataxia-telangiectasia. Last evaluated: 2021-03-25. Review status: no assertion criteria provided. Collection method: clinical testing. Allele origin: germline. Not counted in ClinVar's aggregate classification.

NM_000051.4(ATM):c.6869A>C (p.Glu2290Ala)

Genes: C11orf65 (chromosome 11 open reading frame 65; minus strand), ATM (ATM serine/threonine kinase; plus strand). Cytogenetic location: 11q22.3.
Variant type: single nucleotide variant.
Coding change: c.6869A>C on transcript NM_000051.4 (MANE Select); coding-DNA position 6869, A replaced by C.
Protein change: p.Glu2290Ala; replaces glutamic acid 2290 with alanine.
Molecular consequence: missense variant. On other transcripts: intron variant (2).
Genome position (GRCh38, 1-based): chr11:108,326,119, A>C. VCF-style: chr11-108326119-A-C. GRCh37 (hg19) VCF-style: chr11-108196846-A-C.
Other names: c.6869A>C, p.Glu2290Ala (NM_001351834.2); c.641-17048T>G (NM_001330368.2); c.*38+9101T>G (NM_001351110.2); short protein forms E2290A.
Identifiers: ClinVar variation 479056 (VCV000479056.28), dbSNP rs1555119842, ClinGen allele CA382556767.